The following is an entry in ClinVar:

NM_001029896.2(WDR45):c.371_372del (p.Tyr124fs)

Gene: WDR45 (WD repeat domain 45; minus strand). Cytogenetic location: Xp11.23.
Variant type: Deletion.
Coding change: c.371_372del on transcript NM_001029896.2 (MANE Select); coding-DNA positions 371 to 372, 2 bases deleted (AT; older notation c.371_372delAT).
Protein change: p.Tyr124fs; shifts the reading frame from tyrosine 124.
Molecular consequence: frameshift variant.
Genome position (GRCh38, 1-based): chrX:49,076,494-49,076,495, AT deleted on the plus strand (AT on the coding strand, the reverse complement: WDR45 is on the minus strand); deleting any 2 consecutive bases within chrX:49,076,494-49,076,496 gives the same sequence; the c. name uses the placement nearest the transcript's 3' end. VCF-style (leftmost placement, unchanged base first): chrX-49076493-CAT-C. GRCh37 (hg19) VCF-style: chrX-48934152-CAT-C.
Other names: c.374_375del, p.Tyr125fs (NM_007075.4); c.374_375delAT (NM_007075.3); short protein forms Y124fs, Y125fs.
Identifiers: ClinVar variation 976755 (VCV000976755.14), dbSNP rs2065038463, ClinGen allele CA1139667523.

ClinVar aggregate classification (germline): Pathogenic. Review status: criteria provided, multiple submitters, no conflicts (2 of 4 stars). 4 submissions from 4 submitters: Pathogenic (4). Last evaluated 2023-07-18.

Conditions:
Neurodegeneration with brain iron accumulation 5 (NBIA5). Also called: STATIC ENCEPHALOPATHY OF CHILDHOOD WITH NEURODEGENERATION IN ADULTHOOD; Beta-propeller protein-associated neurodegeneration. Identifiers: Orphanet 329284, MedGen C3550973, MONDO:0010476, OMIM 300894.

Submissions (4):

GeneDx
Classification: Pathogenic. Last evaluated: 2023-07-18. Review status: criteria provided, single submitter. Criteria: GeneDx Variant Classification Process June 2021. Collection method: clinical testing. Allele origin: germline. Affected: yes.
Comment: Frameshift variant predicted to result in protein truncation or nonsense mediated decay in a gene for which loss-of-function is a known mechanism of disease; Not observed in large population cohorts (gnomAD); This variant is associated with the following publications: (PMID: 31665836, 26633542)

Labcorp Genetics (formerly Invitae), Labcorp
Classification: Pathogenic for Neurodegeneration with brain iron accumulation 5. Last evaluated: 2022-11-19. Review status: criteria provided, single submitter. Criteria: Invitae Variant Classification Sherloc (09022015). Collection method: clinical testing. Allele origin: germline.
Comment: This premature translational stop signal has been observed in individual(s) with clinical features of epileptic encephalopathy with cerebellar atrophy and/or nervous system abnormality (PMID: 26633542, 31665836). For these reasons, this variant has been classified as Pathogenic. ClinVar contains an entry for this variant (Variation ID: 976755). This variant is not present in population databases (gnomAD no frequency). This sequence change creates a premature translational stop signal (p.Tyr125Cysfs*13) in the WDR45 gene. It is expected to result in an absent or disrupted protein product. Loss-of-function variants in WDR45 are known to be pathogenic (PMID: 23176820, 24368176, 24621584, 25744623, 26790960, 27030146, 27652284, 28554332).

3billion
Classification: Pathogenic for Neurodegeneration with brain iron accumulation 5. Last evaluated: 2022-05-22. Review status: criteria provided, single submitter. Criteria: ACMG Guidelines, 2015. Collection method: clinical testing. Allele origin: germline. Affected: yes. Observed: 1 heterozygote.
Comment: The variant is not observed in the gnomAD v2.1.1 dataset. Frameshift: predicted to result in a loss or disruption of normal protein function through nonsense-mediated decay (NMD) or protein truncation. Multiple pathogenic variants are reported downstream of the variant. The variant has been reported at least twice as pathogenic without evidence for the classification (ClinVar ID: VCV000976755). Therefore, this variant is classified as pathogenic according to the recommendation of ACMG/AMP guideline.

Institute of Human Genetics Munich, TUM University Hospital
Classification: Pathogenic for Neurodegeneration with brain iron accumulation 5. Last evaluated: 2020-06-08. Review status: criteria provided, single submitter. Criteria: Classification criteria August 2017. Collection method: clinical testing. Allele origin: de novo. Inheritance: X-linked inheritance. Affected: yes. Observed: 1 heterozygote.

Literature cited by the submitters: PubMed 26633542 (cited by Labcorp Genetics (formerly Invitae), Labcorp); PubMed 31665836 (cited by Labcorp Genetics (formerly Invitae), Labcorp); PubMed 23176820 (cited by Labcorp Genetics (formerly Invitae), Labcorp); PubMed 24368176 (cited by Labcorp Genetics (formerly Invitae), Labcorp); PubMed 24621584 (cited by Labcorp Genetics (formerly Invitae), Labcorp); PubMed 25744623 (cited by Labcorp Genetics (formerly Invitae), Labcorp); PubMed 26790960 (cited by Labcorp Genetics (formerly Invitae), Labcorp); PubMed 27030146 (cited by Labcorp Genetics (formerly Invitae), Labcorp); PubMed 27652284 (cited by Labcorp Genetics (formerly Invitae), Labcorp); PubMed 28554332 (cited by Labcorp Genetics (formerly Invitae), Labcorp).